The following is an entry in ClinVar:

ClinVar aggregate classification (germline): Uncertain significance (1 of 4 stars; one submission).

Conditions:
Hereditary cancer-predisposing syndrome. Also called: Tumor predisposition; Neoplastic Syndromes, Hereditary; Hereditary neoplastic syndrome; Hereditary Cancer Syndrome. Identifiers: Orphanet 140162, MedGen C0027672, MeSH D009386, MONDO:0015356.

Submission:

Ambry Genetics
Classification: Uncertain significance for Hereditary cancer-predisposing syndrome. Last evaluated: 2024-11-14. Review status: criteria provided, single submitter. Criteria: Ambry Variant Classification Scheme 2023. Collection method: clinical testing. Allele origin: germline.
Comment: The p.S63F variant (also known as c.188C>T), located in coding exon 3 of the SDHD gene, results from a C to T substitution at nucleotide position 188. The serine at codon 63 is replaced by phenylalanine, an amino acid with highly dissimilar properties. This amino acid position is highly conserved in available vertebrate species. In addition, this alteration is predicted to be deleterious by in silico analysis. Based on the available evidence, the clinical significance of this variant remains unclear.

NM_003002.4(SDHD):c.188C>T (p.Ser63Phe)

Gene: SDHD (succinate dehydrogenase complex subunit D; plus strand). Cytogenetic location: 11q23.1.
Variant type: single nucleotide variant.
Coding change: c.188C>T on transcript NM_003002.4 (MANE Select); coding-DNA position 188, C replaced by T.
Protein change: p.Ser63Phe; replaces serine 63 with phenylalanine.
Molecular consequence: missense variant. On other transcripts: non-coding transcript variant (1), intron variant (1).
Genome position (GRCh38, 1-based): chr11:112,088,885, C>T. VCF-style: chr11-112088885-C-T. GRCh37 (hg19) VCF-style: chr11-111959609-C-T.
Other names: c.71C>T, p.Ser24Phe (NM_001276504.2); c.188C>T, p.Ser63Phe (NM_001276506.2); c.169+912C>T (NM_001276503.2); short protein forms S63F, S24F.
Identifiers: ClinVar variation 3438810 (VCV003438810.1).